The following is an entry in ClinVar:

ClinVar aggregate classification (germline): Uncertain significance (1 of 4 stars; one submission).

gnomAD v4.1: 7 of 1,613,568 alleles (0.00043%); highest among the groups gnomAD compares: South Asian, 0.0066%; 1 homozygote.

Submission:

Labcorp Genetics (formerly Invitae), Labcorp
Classification: Uncertain significance. Last evaluated: 2020-08-05. Review status: criteria provided, single submitter. Criteria: Invitae Variant Classification Sherloc (09022015). Collection method: clinical testing. Allele origin: germline.
Comment: In summary, the available evidence is currently insufficient to determine the role of this variant in disease. Therefore, it has been classified as a Variant of Uncertain Significance. Algorithms developed to predict the effect of missense changes on protein structure and function output the following: SIFT: "Not Available"; PolyPhen-2: "Benign"; Align-GVGD: "Not Available". The arginine amino acid residue is found in multiple mammalian species, suggesting that this missense change does not adversely affect protein function. These predictions have not been confirmed by published functional studies and their clinical significance is uncertain. This variant has been observed in individual(s) with clinical features of BMP2-related conditions (Invitae). This variant is not present in population databases (ExAC no frequency). This sequence change replaces glutamine with arginine at codon 65 of the BMP2 protein (p.Gln65Arg). The glutamine residue is weakly conserved and there is a small physicochemical difference between glutamine and arginine.

NM_001200.4(BMP2):c.194A>G (p.Gln65Arg)

Gene: BMP2 (bone morphogenetic protein 2; plus strand). Cytogenetic location: 20p12.3.
Variant type: single nucleotide variant.
Coding change: c.194A>G on transcript NM_001200.4 (MANE Select); coding-DNA position 194, A replaced by G.
Protein change: p.Gln65Arg; replaces glutamine 65 with arginine.
Molecular consequence: missense variant.
Genome position (GRCh38, 1-based): chr20:6,770,320, A>G. VCF-style: chr20-6770320-A-G. GRCh37 (hg19) VCF-style: chr20-6750967-A-G.
Other names: short protein forms Q65R.
Identifiers: ClinVar variation 1051813 (VCV001051813.7), dbSNP rs762870450, ClinGen allele CA408260427.